The following is an entry in ClinVar:

ClinVar aggregate classification (germline): Uncertain significance. Review status: criteria provided, multiple submitters, no conflicts (2 of 4 stars). 3 submissions from 3 submitters: Uncertain significance (3). Last evaluated 2025-08-28.

Conditions:
Hereditary cancer-predisposing syndrome. Also called: Hereditary neoplastic syndrome; Tumor predisposition; Neoplastic Syndromes, Hereditary; Hereditary Cancer Syndrome. Identifiers: Orphanet 140162, MedGen C0027672, MeSH D009386, MONDO:0015356.
Familial cancer of breast. Also called: hereditary breast carcinoma; Hereditary breast cancer; BREAST CANCER, FAMILIAL. Identifiers: Orphanet 227535, MedGen C0346153, MONDO:0016419, OMIM 114480. Disease mechanism: loss of function.

Allele frequency attached by ClinVar (database versions not stated): gnomAD exomes below 0.00001; ExAC 0.00001.
gnomAD v4.1: 1 of 1,613,582 alleles (0.000062%); highest among the groups gnomAD compares: Admixed American, 0.0017%; no homozygotes.

Submissions (3):

Labcorp Genetics (formerly Invitae), Labcorp
Classification: Uncertain significance for Familial cancer of breast. Last evaluated: 2025-08-28. Review status: criteria provided, single submitter. Criteria: Invitae Variant Classification Sherloc (09022015). Collection method: clinical testing. Allele origin: germline.
Comment: This sequence change replaces glycine, which is neutral and non-polar, with aspartic acid, which is acidic and polar, at codon 1028 of the PALB2 protein (p.Gly1028Asp). This variant is present in population databases (rs779642624, gnomAD 0.003%). This variant has not been reported in the literature in individuals affected with PALB2-related conditions. ClinVar contains an entry for this variant (Variation ID: 956986). Invitae Evidence Modeling of protein sequence and biophysical properties (such as structural, functional, and spatial information, amino acid conservation, physicochemical variation, residue mobility, and thermodynamic stability) indicates that this missense variant is expected to disrupt PALB2 protein function with a positive predictive value of 80%. In summary, the available evidence is currently insufficient to determine the role of this variant in disease. Therefore, it has been classified as a Variant of Uncertain Significance.

Color Diagnostics, LLC DBA Color Health
Classification: Uncertain significance for Hereditary cancer-predisposing syndrome. Last evaluated: 2024-01-28. Review status: criteria provided, single submitter. Criteria: ACMG Guidelines, 2015. Collection method: clinical testing. Allele origin: germline.
Comment: This missense variant replaces glycine with aspartic acid at codon 1028 of the PALB2 protein. Computational prediction suggests that this variant may not impact protein structure and function (internally defined REVEL score threshold <= 0.5, PMID: 27666373). To our knowledge, functional studies have not been reported for this variant. This variant has not been reported in individuals affected with PALB2-related disorders in the literature. This variant has been identified in 1/251428 chromosomes in the general population by the Genome Aggregation Database (gnomAD). The available evidence is insufficient to determine the role of this variant in disease conclusively. Therefore, this variant is classified as a Variant of Uncertain Significance.

Ambry Genetics
Classification: Uncertain significance for Hereditary cancer-predisposing syndrome. Last evaluated: 2023-11-29. Review status: criteria provided, single submitter. Criteria: Ambry Variant Classification Scheme 2023. Collection method: clinical testing. Allele origin: germline.

NM_024675.4(PALB2):c.3083G>A (p.Gly1028Asp)

Gene: PALB2 (partner and localizer of BRCA2; minus strand). Cytogenetic location: 16p12.2.
Variant type: single nucleotide variant.
Coding change: c.3083G>A on transcript NM_024675.4 (MANE Select); coding-DNA position 3083, G replaced by A.
Protein change: p.Gly1028Asp; replaces glycine 1028 with aspartic acid.
Molecular consequence: missense variant.
Genome position (GRCh38, 1-based): chr16:23,621,392, C>T on the plus strand (G>A on the coding strand, the complement: PALB2 is on the minus strand). VCF-style: chr16-23621392-C-T. GRCh37 (hg19) VCF-style: chr16-23632713-C-T.
Other names: short protein forms G1028D.
Identifiers: ClinVar variation 956986 (VCV000956986.14), dbSNP rs779642624, ClinGen allele CA7963439.
Genomic context (GRCh38, chr16:23,621,392, plus strand): 5'-GGGAACTGAGGACCTAGAGGGAAAGCTTACCAAATAACAATGTTGTTCATAATAGTAGTA[C>T]CAAGCAGAGCTTCTTGCATCCCTTGGACCTCAGCAAAAGTTAGTATAGTCTCCTCAGGGG-3'
Protein context (NP_078951.2, residues 1018-1038): EVQGMQEALL[Gly1028Asp]TTIMNNIVIW